The following is an entry in ClinVar:

ClinVar aggregate classification (germline): Uncertain significance (1 of 4 stars; one submission).

Allele frequency attached by ClinVar (database versions not stated): gnomAD exomes below 0.00001.
gnomAD v4.1: 1 of 1,614,072 alleles (0.000062%); highest among the groups gnomAD compares: Non-Finnish European, 0.000085%; no homozygotes.

Submission:

Labcorp Genetics (formerly Invitae), Labcorp
Classification: Uncertain significance. Last evaluated: 2022-07-29. Review status: criteria provided, single submitter. Criteria: Invitae Variant Classification Sherloc (09022015). Collection method: clinical testing. Allele origin: germline.
Comment: In summary, the available evidence is currently insufficient to determine the role of this variant in disease. Therefore, it has been classified as a Variant of Uncertain Significance. Algorithms developed to predict the effect of missense changes on protein structure and function output the following: SIFT: "Not Available"; PolyPhen-2: "Benign"; Align-GVGD: "Not Available". The valine amino acid residue is found in multiple mammalian species, which suggests that this missense change does not adversely affect protein function. This variant has not been reported in the literature in individuals affected with CDH3-related conditions. This variant is not present in population databases (gnomAD no frequency). This sequence change replaces methionine, which is neutral and non-polar, with valine, which is neutral and non-polar, at codon 521 of the CDH3 protein (p.Met521Val).

NM_001793.6(CDH3):c.1561A>G (p.Met521Val)

Gene: CDH3 (cadherin 3; plus strand). Cytogenetic location: 16q22.1.
Variant type: single nucleotide variant.
Coding change: c.1561A>G on transcript NM_001793.6 (MANE Select); coding-DNA position 1561, A replaced by G.
Protein change: p.Met521Val; replaces methionine 521 with valine.
Molecular consequence: missense variant.
Genome position (GRCh38, 1-based): chr16:68,685,341, A>G. VCF-style: chr16-68685341-A-G. GRCh37 (hg19) VCF-style: chr16-68719244-A-G.
Other names: c.1561A>G, p.Met521Val (NM_001317195.3); c.1396A>G, p.Met466Val (NM_001317196.2); short protein forms M466V, M521V.
Identifiers: ClinVar variation 1714172 (VCV001714172.5), dbSNP rs2543746073, ClinGen allele CA396454538.